The following is an entry in ClinVar:

ClinVar aggregate classification (germline): Uncertain significance (1 of 4 stars; one submission).

Conditions:
Hereditary breast ovarian cancer syndrome. Also called: Hereditary breast and ovarian cancer syndrome; Breast and ovarian cancer; BRCA1- and BRCA2-Associated Hereditary Breast and Ovarian Cancer; Hereditary breast and ovarian cancer syndrome (HBOC); Hereditary breast and ovarian cancer; Hereditary breast and/or ovarian cancer syndrome. Identifiers: Orphanet 145, MedGen C0677776, MeSH D061325, MONDO:0003582. Disease mechanism: loss of function.

Submission:

Labcorp Genetics (formerly Invitae), Labcorp
Classification: Uncertain significance for Hereditary breast ovarian cancer syndrome. Last evaluated: 2022-07-30. Review status: criteria provided, single submitter. Criteria: Invitae Variant Classification Sherloc (09022015). Collection method: clinical testing. Allele origin: germline.
Comment: In summary, the available evidence is currently insufficient to determine the role of this variant in disease. Therefore, it has been classified as a Variant of Uncertain Significance. Advanced modeling of protein sequence and biophysical properties (such as structural, functional, and spatial information, amino acid conservation, physicochemical variation, residue mobility, and thermodynamic stability) performed at Invitae indicates that this missense variant is not expected to disrupt BRCA2 protein function. This variant has not been reported in the literature in individuals affected with BRCA2-related conditions. This variant is not present in population databases (gnomAD no frequency). This sequence change replaces glutamic acid, which is acidic and polar, with glycine, which is neutral and non-polar, at codon 38 of the BRCA2 protein (p.Glu38Gly).

NM_000059.4(BRCA2):c.113A>G (p.Glu38Gly)

Gene: BRCA2 (BRCA2 DNA repair associated; plus strand). Cytogenetic location: 13q13.1.
Variant type: single nucleotide variant.
Coding change: c.113A>G on transcript NM_000059.4 (MANE Select); coding-DNA position 113, A replaced by G.
Protein change: p.Glu38Gly; replaces glutamic acid 38 with glycine.
Molecular consequence: missense variant.
Genome position (GRCh38, 1-based): chr13:32,319,122, A>G. VCF-style: chr13-32319122-A-G. GRCh37 (hg19) VCF-style: chr13-32893259-A-G.
Other names: c.113A>G, p.Glu38Gly (NM_001406719.1, NM_001406720.1, NM_001406721.1); c.-257A>G (NM_001406722.1); short protein forms E38G.
Identifiers: ClinVar variation 2092408 (VCV002092408.4), dbSNP rs2138703935, ClinGen allele CA387754197.